The following is an entry in ClinVar:

NM_032638.5(GATA2):c.1024_1092dup (p.Ala364_Asn365insAlaArgArgAlaGlyThrCysCysAlaAsnCysGlnThrThrThrThrThrLeuTrpArgArgAsnAla)

Gene: GATA2 (GATA binding protein 2; minus strand). Cytogenetic location: 3q21.3.
Variant type: Duplication.
Coding change: c.1024_1092dup on transcript NM_032638.5 (MANE Select); coding-DNA positions 1024 to 1092, 69 bases duplicated.
Protein change: p.Ala364_Asn365insAlaArgArgAlaGlyThrCysCysAlaAsnCysGlnThrThrThrThrThrLeuTrpArgArgAsnAla.
Molecular consequence: inframe insertion. On other transcripts: splice acceptor variant (1).
Genome position (GRCh38, 1-based): chr3:128,481,870-128,481,938, 69 bases duplicated. GRCh37 (hg19): chr3:128,200,716-128,200,784.
Other names: c.1024_1092dup, p.Ala364_Asn365insAlaArgArgAlaGlyThrCysCysAlaAsnCysGlnThrThrThrThrThrLeuTrpArgArgAsnAla (NM_001145661.2); c.1018-36_1050dup (NM_001145662.1).
Identifiers: ClinVar variation 3756707 (VCV003756707.2).

ClinVar aggregate classification (germline): Uncertain significance (1 of 4 stars; one submission).

Conditions:
Deafness-lymphedema-leukemia syndrome. Also called: Lymphedema, primary, with myelodysplasia; Emberger syndrome. Identifiers: Orphanet 3226, MedGen C3279664, MONDO:0013540, OMIM 614038.
Monocytopenia with susceptibility to infections. Also called: MONOCYTOPENIA AND MYCOBACTERIAL INFECTION SYNDROME; MONOCYTOPENIA WITH SUSCEPTIBILITY TO MYCOBACTERIAL, FUNGAL, AND PAPILLOMAVIRUS INFECTIONS AND MYELODYSPLASIA; COMBINED IMMUNODEFICIENCY WITH SUSCEPTIBILITY TO MYCOBACTERIAL, VIRAL, AND FUNGAL INFECTIONS; Dendritic cell, monocyte, B lymphocyte, and natural killer lymphocyte deficiency; IMMUNODEFICIENCY 21; GATA2 DEFICIENCY. Identifiers: Orphanet 228423, MedGen C3280030, MONDO:0013607, OMIM 614172.

Submission:

Labcorp Genetics (formerly Invitae), Labcorp
Classification: Uncertain significance for Monocytopenia with susceptibility to infections; Deafness-lymphedema-leukemia syndrome. Last evaluated: 2024-06-05. Review status: criteria provided, single submitter. Criteria: Invitae Variant Classification Sherloc (09022015). Collection method: clinical testing. Allele origin: germline.
Comment: This variant, c.1024_1092dup, results in the insertion of 23 amino acid(s) of the GATA2 protein (p.Ala342_Ala364dup), but otherwise preserves the integrity of the reading frame. This variant is not present in population databases (gnomAD no frequency). This variant has not been reported in the literature in individuals affected with GATA2-related conditions. Experimental studies and prediction algorithms are not available or were not evaluated, and the functional significance of this variant is currently unknown. In summary, the available evidence is currently insufficient to determine the role of this variant in disease. Therefore, it has been classified as a Variant of Uncertain Significance.